The following is an entry in ClinVar:

NM_006516.4(SLC2A1):c.229_239del (p.Met77fs)

Gene: SLC2A1 (solute carrier family 2 member 1; minus strand). Cytogenetic location: 1p34.2.
Variant type: Deletion.
Coding change: c.229_239del on transcript NM_006516.4 (MANE Select); coding-DNA positions 229 to 239, 11 bases deleted (ATGATTGGCTC).
Protein change: p.Met77fs; shifts the reading frame from methionine 77.
Molecular consequence: frameshift variant.
Genome position (GRCh38, 1-based): chr1:42,931,082-42,931,092, GAGCCAATCAT deleted on the plus strand (ATGATTGGCTC on the coding strand, the reverse complement: SLC2A1 is on the minus strand); deleting any 11 consecutive bases within chr1:42,931,082-42,931,093 gives the same sequence; the c. name uses the placement nearest the transcript's 3' end. VCF-style (leftmost placement, unchanged base first): chr1-42931081-GGAGCCAATCAT-G. GRCh37 (hg19) VCF-style: chr1-43396752-GGAGCCAATCAT-G.
Other names: short protein forms M77fs.
Identifiers: ClinVar variation 971216 (VCV000971216.8), dbSNP rs1643484447, ClinGen allele CA1139656065.

ClinVar aggregate classification (germline): Pathogenic (1 of 4 stars; one submission).

Conditions:
GLUT1 deficiency syndrome 1, autosomal recessive. Identifiers: MedGen C3149117.

Submission:

Labcorp Genetics (formerly Invitae), Labcorp
Classification: Pathogenic for GLUT1 deficiency syndrome 1, autosomal recessive. Last evaluated: 2019-10-03. Review status: criteria provided, single submitter. Criteria: Invitae Variant Classification Sherloc (09022015). Collection method: clinical testing. Allele origin: germline.
Comment: This sequence change creates a premature translational stop signal (p.Met77Leufs*8) in the SLC2A1 gene. It is expected to result in an absent or disrupted protein product. This variant is not present in population databases (ExAC no frequency). This variant has not been reported in the literature in individuals with SLC2A1-related conditions. Loss-of-function variants in SLC2A1 are known to be pathogenic (PMID: 21832227, 26193382). For these reasons, this variant has been classified as Pathogenic.

Literature cited by the submitters: PubMed 21832227; PubMed 26193382.